The following is an entry in ClinVar:

ClinVar aggregate classification (germline): Uncertain significance. Review status: criteria provided, multiple submitters, no conflicts (2 of 4 stars). 4 submissions from 4 submitters: Uncertain significance (4). Last evaluated 2025-10-31.

Conditions:
Isolated focal cortical dysplasia type II (FCORD2). Also called: CORTICAL DYSPLASIA OF TAYLOR; Focal cortical dysplasia type II. Identifiers: Orphanet 268994, MedGen C1846385, MONDO:0011818, OMIM 607341, HP:0032051.
Tuberous sclerosis 2 (TSC2). Identifiers: Orphanet 805, MedGen C1860707, MONDO:0013199, OMIM 613254.
Lymphangiomyomatosis (LAM). Also called: Lymphangioleiomyomatosis; Lymphangioleiomyomatosis, somatic. Identifiers: Orphanet 538, MedGen C0751674, MONDO:0011705, OMIM 606690.
Hereditary cancer-predisposing syndrome. Also called: Hereditary neoplastic syndrome; Neoplastic Syndromes, Hereditary; Tumor predisposition; Hereditary Cancer Syndrome. Identifiers: Orphanet 140162, MedGen C0027672, MeSH D009386, MONDO:0015356.

Allele frequency attached by ClinVar (database versions not stated): gnomAD exomes below 0.00001.
gnomAD v4.1: 6 of 1,592,124 alleles (0.00038%); highest among the groups gnomAD compares: Admixed American, 0.0018%; no homozygotes.

Submissions (4):

Labcorp Genetics (formerly Invitae), Labcorp
Classification: Uncertain significance for Tuberous sclerosis 2. Last evaluated: 2025-10-31. Review status: criteria provided, single submitter. Criteria: Invitae Variant Classification Sherloc (09022015). Collection method: clinical testing. Allele origin: germline.
Comment: This sequence change replaces glycine, which is neutral and non-polar, with valine, which is neutral and non-polar, at codon 1660 of the TSC2 protein (p.Gly1660Val). This variant is not present in population databases (gnomAD no frequency). This variant has not been reported in the literature in individuals affected with TSC2-related conditions. ClinVar contains an entry for this variant (Variation ID: 468125). Invitae Evidence Modeling of protein sequence and biophysical properties (such as structural, functional, and spatial information, amino acid conservation, physicochemical variation, residue mobility, and thermodynamic stability) has been performed for this missense variant. However, the output from this modeling did not meet the statistical confidence thresholds required to predict the impact of this variant on TSC2 protein function. In summary, the available evidence is currently insufficient to determine the role of this variant in disease. Therefore, it has been classified as a Variant of Uncertain Significance.

Ambry Genetics
Classification: Uncertain significance for Hereditary cancer-predisposing syndrome. Last evaluated: 2024-07-18. Review status: criteria provided, single submitter. Criteria: Ambry Variant Classification Scheme 2023. Collection method: clinical testing. Allele origin: germline.
Comment: The p.G1660V variant (also known as c.4979G>T), located in coding exon 37 of the TSC2 gene, results from a G to T substitution at nucleotide position 4979. The glycine at codon 1660 is replaced by valine, an amino acid with dissimilar properties. This amino acid position is highly conserved in available vertebrate species. In addition, this alteration is predicted to be deleterious by in silico analysis. Based on the available evidence, the clinical significance of this variant remains unclear.

Fulgent Genetics
Classification: Uncertain significance for Lymphangiomyomatosis; Isolated focal cortical dysplasia type II; Tuberous sclerosis 2. Last evaluated: 2024-05-22. Review status: criteria provided, single submitter. Criteria: ACMG Guidelines, 2015. Collection method: clinical testing. Allele origin: germline.

Baylor Genetics
Classification: Uncertain significance for Isolated focal cortical dysplasia type II. Last evaluated: 2023-07-01. Review status: criteria provided, single submitter. Criteria: ACMG Guidelines, 2015. Collection method: clinical testing. Allele origin: unknown.

NM_000548.5(TSC2):c.4979G>T (p.Gly1660Val)

Gene: TSC2 (TSC complex subunit 2; plus strand). Cytogenetic location: 16p13.3.
Variant type: single nucleotide variant.
Coding change: c.4979G>T on transcript NM_000548.5 (MANE Select); coding-DNA position 4979, G replaced by T.
Protein change: p.Gly1660Val; replaces glycine 1660 with valine.
Molecular consequence: missense variant.
Genome position (GRCh38, 1-based): chr16:2,086,861, G>T. VCF-style: chr16-2086861-G-T. GRCh37 (hg19) VCF-style: chr16-2136862-G-T.
Other names: c.4778G>T, p.Gly1593Val (NM_001077183.3); c.4910G>T, p.Gly1637Val (NM_001114382.3); c.4670G>T, p.Gly1557Val (NM_001318827.2); c.4634G>T, p.Gly1545Val (NM_001318829.2); c.4247G>T, p.Gly1416Val (NM_001318831.2); c.4811G>T, p.Gly1604Val (NM_001318832.2); c.4781G>T, p.Gly1594Val (NM_001363528.2); c.4847G>T, p.Gly1616Val (NM_001370404.1); and 1 more; short protein forms G1660V, G1593V, G1604V, G1637V, G1616V, G1416V, G1594V, G1617V.
Identifiers: ClinVar variation 468125 (VCV000468125.13), dbSNP rs1189857262, ClinGen allele CA394309167.